The following is an entry in ClinVar:

NM_000540.3(RYR1):c.3102C>A (p.Asn1034Lys)

Gene: RYR1 (ryanodine receptor 1; plus strand). Cytogenetic location: 19q13.2.
Variant type: single nucleotide variant.
Coding change: c.3102C>A on transcript NM_000540.3 (MANE Select); coding-DNA position 3102, C replaced by A.
Protein change: p.Asn1034Lys; replaces asparagine 1034 with lysine.
Molecular consequence: missense variant.
Genome position (GRCh38, 1-based): chr19:38,466,322, C>A. VCF-style: chr19-38466322-C-A. GRCh37 (hg19) VCF-style: chr19-38956962-C-A.
Other names: c.3102C>A, p.Asn1034Lys (NM_001042723.2); short protein forms N1034K.
Identifiers: ClinVar variation 3703295 (VCV003703295.3).

ClinVar aggregate classification (germline): Uncertain significance. Review status: criteria provided, multiple submitters, no conflicts (2 of 4 stars). 2 submissions from 2 submitters: Uncertain significance (2). Last evaluated 2025-10-18.

Conditions:
Inborn genetic diseases. Identifiers: MedGen C0950123, MeSH D030342.
RYR1-related disorder. Also called: RYR1-related condition; RYR1-related disorders. Identifiers: MedGen CN239331.

gnomAD v4.1: 1 of 1,606,896 alleles (0.000062%); no homozygotes.

Submissions (2):

Ambry Genetics
Classification: Uncertain significance for Inborn genetic diseases. Last evaluated: 2025-10-18. Review status: criteria provided, single submitter. Criteria: Ambry Variant Classification Scheme 2023. Collection method: clinical testing. Allele origin: germline.

Labcorp Genetics (formerly Invitae), Labcorp
Classification: Uncertain significance for RYR1-related disorder. Last evaluated: 2024-09-19. Review status: criteria provided, single submitter. Criteria: Invitae Variant Classification Sherloc (09022015). Collection method: clinical testing. Allele origin: germline.
Comment: This sequence change replaces asparagine, which is neutral and polar, with lysine, which is basic and polar, at codon 1034 of the RYR1 protein (p.Asn1034Lys). This variant is not present in population databases (gnomAD no frequency). This variant has not been reported in the literature in individuals affected with RYR1-related conditions. Invitae Evidence Modeling of protein sequence and biophysical properties (such as structural, functional, and spatial information, amino acid conservation, physicochemical variation, residue mobility, and thermodynamic stability) indicates that this missense variant is expected to disrupt RYR1 protein function with a positive predictive value of 80%. In summary, the available evidence is currently insufficient to determine the role of this variant in disease. Therefore, it has been classified as a Variant of Uncertain Significance.